The following is an entry in ClinVar:

ClinVar aggregate classification (germline): Uncertain significance (1 of 4 stars; one submission).

Allele frequency attached by ClinVar (database versions not stated): gnomAD exomes below 0.00001; gnomAD 0.00001; TOPMed 0.00001.

Submission:

Labcorp Genetics (formerly Invitae), Labcorp
Classification: Uncertain significance. Last evaluated: 2023-08-28. Review status: criteria provided, single submitter. Criteria: Invitae Variant Classification Sherloc (09022015). Collection method: clinical testing. Allele origin: germline.
Comment: In summary, the available evidence is currently insufficient to determine the role of this variant in disease. Therefore, it has been classified as a Variant of Uncertain Significance. Advanced modeling of protein sequence and biophysical properties (such as structural, functional, and spatial information, amino acid conservation, physicochemical variation, residue mobility, and thermodynamic stability) performed at Invitae indicates that this missense variant is not expected to disrupt BRD4 protein function. This variant has not been reported in the literature in individuals affected with BRD4-related conditions. This variant is present in population databases (rs199534063, gnomAD 0.0008%). This sequence change replaces lysine, which is basic and polar, with arginine, which is basic and polar, at codon 355 of the BRD4 protein (p.Lys355Arg).

NM_001379291.1(BRD4):c.1064A>G (p.Lys355Arg)

Gene: BRD4 (bromodomain containing 4; minus strand). Cytogenetic location: 19p13.12.
Variant type: single nucleotide variant.
Coding change: c.1064A>G on transcript NM_001379291.1 (MANE Select); coding-DNA position 1064, A replaced by G.
Protein change: p.Lys355Arg; replaces lysine 355 with arginine.
Molecular consequence: missense variant.
Genome position (GRCh38, 1-based): chr19:15,264,552, T>C on the plus strand (A>G on the coding strand, the complement: BRD4 is on the minus strand). VCF-style: chr19-15264552-T-C. GRCh37 (hg19) VCF-style: chr19-15375363-T-C.
Other names: c.1064A>G, p.Lys355Arg (NM_001330384.2, NM_001379292.1, NM_014299.3 and 1 more transcripts); short protein forms K355R.
Identifiers: ClinVar variation 2791455 (VCV002791455.3), dbSNP rs199534063, ClinGen allele CA305775300.